The following is an entry in ClinVar:

NM_004104.5(FASN):c.9G>C (p.Glu3Asp)

Gene: FASN (fatty acid synthase; minus strand). Cytogenetic location: 17q25.3.
Variant type: single nucleotide variant.
Coding change: c.9G>C on transcript NM_004104.5 (MANE Select); coding-DNA position 9, G replaced by C.
Protein change: p.Glu3Asp; replaces glutamic acid 3 with aspartic acid.
Molecular consequence: missense variant.
Genome position (GRCh38, 1-based): chr17:82,096,437, C>G on the plus strand (G>C on the coding strand, the complement: FASN is on the minus strand). VCF-style: chr17-82096437-C-G. GRCh37 (hg19) VCF-style: chr17-80054313-C-G.
Other names: short protein forms E3D.
Identifiers: ClinVar variation 1511131 (VCV001511131.8), dbSNP rs2144813365, ClinGen allele CA401567273.

ClinVar aggregate classification (germline): Uncertain significance (1 of 4 stars; one submission).

Conditions:
Epileptic encephalopathy. Identifiers: MedGen C0543888, HP:0200134.

Submission:

Labcorp Genetics (formerly Invitae), Labcorp
Classification: Uncertain significance for Epileptic encephalopathy. Last evaluated: 2021-04-10. Review status: criteria provided, single submitter. Criteria: Invitae Variant Classification Sherloc (09022015). Collection method: clinical testing. Allele origin: germline.
Comment: In summary, the available evidence is currently insufficient to determine the role of this variant in disease. Therefore, it has been classified as a Variant of Uncertain Significance. Algorithms developed to predict the effect of missense changes on protein structure and function (SIFT, PolyPhen-2, Align-GVGD) all suggest that this variant is likely to be tolerated, but these predictions have not been confirmed by published functional studies and their clinical significance is uncertain. This variant has not been reported in the literature in individuals with FASN-related conditions. This variant is not present in population databases (ExAC no frequency). This sequence change replaces glutamic acid with aspartic acid at codon 3 of the FASN protein (p.Glu3Asp). The glutamic acid residue is moderately conserved and there is a small physicochemical difference between glutamic acid and aspartic acid.